The following is an entry in ClinVar:

NM_000092.5(COL4A4):c.1504C>T (p.Pro502Ser)

Gene: COL4A4 (collagen type IV alpha 4 chain; minus strand). Cytogenetic location: 2q36.3.
Variant type: single nucleotide variant.
Coding change: c.1504C>T on transcript NM_000092.5 (MANE Select); coding-DNA position 1504, C replaced by T.
Protein change: p.Pro502Ser; replaces proline 502 with serine.
Molecular consequence: missense variant.
Genome position (GRCh38, 1-based): chr2:227,088,772, G>A on the plus strand (C>T on the coding strand, the complement: COL4A4 is on the minus strand). VCF-style: chr2-227088772-G-A. GRCh37 (hg19) VCF-style: chr2-227953488-G-A.
Other names: short protein forms P502S.
Identifiers: ClinVar variation 3585880 (VCV003585880.4).

ClinVar aggregate classification (germline): Uncertain significance. Review status: criteria provided, multiple submitters, no conflicts (2 of 4 stars). 3 submissions from 3 submitters: Uncertain significance (3). Last evaluated 2025-06-18.

Conditions:
Autosomal recessive Alport syndrome (ATS2). Also called: Alport syndrome type 2; COL4A3-Related Nephropathy; COL4A4 Alport Syndrome and Thin Basement Membrane Nephropathy; ALPORT SYNDROME 2, AUTOSOMAL RECESSIVE. Identifiers: Orphanet 63, Orphanet 88919, MedGen C4746745, MONDO:0008762, OMIM 203780.
Hematuria, benign familial, 1 (BFH1). Also called: THIN MEMBRANE NEPHROPATHY. Identifiers: MedGen CN376803, MONDO:0007709, OMIM 141200.
Inborn genetic diseases. Identifiers: MedGen C0950123, MeSH D030342.

gnomAD v4.1: 3 of 1,614,126 alleles (0.00019%); highest among the groups gnomAD compares: Admixed American, 0.0017%; no homozygotes.

Submissions (3):

Ambry Genetics
Classification: Uncertain significance for Inborn genetic diseases. Last evaluated: 2025-06-18. Review status: criteria provided, single submitter. Criteria: Ambry Variant Classification Scheme 2023. Collection method: clinical testing. Allele origin: germline.

Fulgent Genetics
Classification: Uncertain significance for Hematuria, benign familial, 1; Autosomal recessive Alport syndrome. Last evaluated: 2024-05-07. Review status: criteria provided, single submitter. Criteria: ACMG Guidelines, 2015. Collection method: clinical testing. Allele origin: germline.

Labcorp Genetics (formerly Invitae), Labcorp
Classification: Uncertain significance. Last evaluated: 2024-04-02. Review status: criteria provided, single submitter. Criteria: Invitae Variant Classification Sherloc (09022015). Collection method: clinical testing. Allele origin: germline.
Comment: This sequence change replaces proline, which is neutral and non-polar, with serine, which is neutral and polar, at codon 502 of the COL4A4 protein (p.Pro502Ser). This variant is present in population databases (rs767258671, gnomAD 0.0009%). This variant has not been reported in the literature in individuals affected with COL4A4-related conditions. Advanced modeling of protein sequence and biophysical properties (such as structural, functional, and spatial information, amino acid conservation, physicochemical variation, residue mobility, and thermodynamic stability) performed at Invitae indicates that this missense variant is not expected to disrupt COL4A4 protein function with a negative predictive value of 95%. In summary, the available evidence is currently insufficient to determine the role of this variant in disease. Therefore, it has been classified as a Variant of Uncertain Significance.